The following is an entry in ClinVar:

NM_021728.4(OTX2):c.341A>G (p.Asn114Ser)

Gene: OTX2 (orthodenticle homeobox 2; minus strand). Cytogenetic location: 14q22.3.
Variant type: single nucleotide variant.
Coding change: c.341A>G on transcript NM_021728.4 (MANE Select); coding-DNA position 341, A replaced by G.
Protein change: p.Asn114Ser; replaces asparagine 114 with serine.
Molecular consequence: missense variant. On other transcripts: non-coding transcript variant (2).
Genome position (GRCh38, 1-based): chr14:56,802,288, T>C on the plus strand (A>G on the coding strand, the complement: OTX2 is on the minus strand). VCF-style: chr14-56802288-T-C. GRCh37 (hg19) VCF-style: chr14-57269006-T-C.
Other names: c.317A>G, p.Asn106Ser (NM_172337.3, NM_001270523.2, NM_001270524.2); c.341A>G, p.Asn114Ser (NM_001270525.2); short protein forms N114S, N106S.
Identifiers: ClinVar variation 3675934 (VCV003675934.2).

ClinVar aggregate classification (germline): Uncertain significance (1 of 4 stars; one submission).

Conditions:
Anophthalmia-microphthalmia syndrome. Also called: Anophthalmia/Microphthalmia; Anophthalmia - microphthalmia. Identifiers: Orphanet 98555, MedGen C5680330, MONDO:0020147.

gnomAD v4.1: 2 of 1,614,208 alleles (0.00012%); highest among the groups gnomAD compares: South Asian, 0.0022%; no homozygotes.

Submission:

Labcorp Genetics (formerly Invitae), Labcorp
Classification: Uncertain significance for Anophthalmia-microphthalmia syndrome. Last evaluated: 2024-11-11. Review status: criteria provided, single submitter. Criteria: Invitae Variant Classification Sherloc (09022015). Collection method: clinical testing. Allele origin: germline.
Comment: This sequence change replaces asparagine, which is neutral and polar, with serine, which is neutral and polar, at codon 106 of the OTX2 protein (p.Asn106Ser). This variant is present in population databases (rs751258203, gnomAD 0.003%). This variant has not been reported in the literature in individuals affected with OTX2-related conditions. An algorithm developed to predict the effect of missense changes on protein structure and function (PolyPhen-2) suggests that this variant is likely to be tolerated. In summary, the available evidence is currently insufficient to determine the role of this variant in disease. Therefore, it has been classified as a Variant of Uncertain Significance.